The following is an entry in ClinVar:

ClinVar aggregate classification (germline): Uncertain significance (1 of 4 stars; one submission).

Allele frequency attached by ClinVar (database versions not stated): TOPMed below 0.00001.
gnomAD v4.1: 6 of 1,612,418 alleles (0.00037%); highest among the groups gnomAD compares: Admixed American, 0.0033%; no homozygotes.

Submission:

GeneDx
Classification: Uncertain significance. Last evaluated: 2023-01-15. Review status: criteria provided, single submitter. Criteria: GeneDx Variant Classification Process June 2021. Collection method: clinical testing. Allele origin: germline. Affected: yes.
Comment: Not observed at significant frequency in large population cohorts (gnomAD); In silico analysis supports that this missense variant does not alter protein structure/function; Has not been previously published as pathogenic or benign to our knowledge

NM_173630.4(RTTN):c.1471G>C (p.Glu491Gln)

Gene: RTTN (rotatin; minus strand). Cytogenetic location: 18q22.2.
Variant type: single nucleotide variant.
Coding change: c.1471G>C on transcript NM_173630.4 (MANE Select); coding-DNA position 1471, G replaced by C.
Protein change: p.Glu491Gln; replaces glutamic acid 491 with glutamine.
Molecular consequence: missense variant. On other transcripts: 5 prime UTR variant (1).
Genome position (GRCh38, 1-based): chr18:70,176,680, C>G on the plus strand (G>C on the coding strand, the complement: RTTN is on the minus strand). VCF-style: chr18-70176680-C-G. GRCh37 (hg19) VCF-style: chr18-67843916-C-G.
Other names: c.-1083G>C (NM_001318520.2); short protein forms E491Q.
Identifiers: ClinVar variation 2573930 (VCV002573930.1), dbSNP rs2061309848, ClinGen allele CA402698324.
Genomic context (GRCh38, chr18:70,176,680, plus strand): 5'-AGCATTTATTTATAATAGTCTGTAAAGTACAAATGAGCAGCATTGCCTGCCTTACCTTTT[C>G]AACAGGGAGAAGCGTTTGTAGCAGTCGAACTGCAAACAGGGAAATGCTGATAAAGGCCAT-3'
Protein context (NP_775901.3, residues 481-501): VRLLQTLLPV[Glu491Gln]KASEFLSEPM